The following is an entry in ClinVar:

ClinVar aggregate classification (germline): Conflicting classifications of pathogenicity. Review status: criteria provided, conflicting classifications (1 of 4 stars). 2 submissions from 2 submitters: Uncertain significance (1); Likely benign (1). Last evaluated 2023-03-23.

Conditions:
Hereditary cancer-predisposing syndrome. Also called: Tumor predisposition; Hereditary Cancer Syndrome; Neoplastic Syndromes, Hereditary; Hereditary neoplastic syndrome. Identifiers: Orphanet 140162, MedGen C0027672, MeSH D009386, MONDO:0015356.

Submissions (2):

University of Washington Department of Laboratory Medicine, University of Washington
Classification: Likely benign for Hereditary cancer-predisposing syndrome. Last evaluated: 2023-03-23. Review status: criteria provided, single submitter. Criteria: Dines et al. (Genet Med. 2020). Collection method: curation. Allele origin: germline.
Comment: Missense variant in a coldspot region where missense variants are very unlikely to be pathogenic (PMID:31911673).

BRCA2 exon 11 coldspot. Reclassification based on statistical prior probability.

Ambry Genetics
Classification: Uncertain significance for Hereditary cancer-predisposing syndrome. Last evaluated: 2021-01-07. Review status: criteria provided, single submitter. Criteria: Ambry Variant Classification Scheme 2023. Collection method: clinical testing. Allele origin: germline.
Comment: The p.R858K variant (also known as c.2573G>A), located in coding exon 10 of the BRCA2 gene, results from a G to A substitution at nucleotide position 2573. The arginine at codon 858 is replaced by lysine, an amino acid with highly similar properties. This amino acid position is poorly conserved in available vertebrate species. In addition, this alteration is predicted to be tolerated by in silico analysis. Since supporting evidence is limited at this time, the clinical significance of this alteration remains unclear.

NM_000059.4(BRCA2):c.2573G>A (p.Arg858Lys)

Gene: BRCA2 (BRCA2 DNA repair associated; plus strand). Cytogenetic location: 13q13.1.
Variant type: single nucleotide variant.
Coding change: c.2573G>A on transcript NM_000059.4 (MANE Select); coding-DNA position 2573, G replaced by A.
Protein change: p.Arg858Lys; replaces arginine 858 with lysine.
Molecular consequence: missense variant.
Genome position (GRCh38, 1-based): chr13:32,336,928, G>A. VCF-style: chr13-32336928-G-A. GRCh37 (hg19) VCF-style: chr13-32911065-G-A.
Other names: c.2573G>A, p.Arg858Lys (NM_001406719.1, NM_001406720.1); short protein forms R858K.
Identifiers: ClinVar variation 1793278 (VCV001793278.4), dbSNP rs2137487821, ClinGen allele CA387772571.